The following is an entry in ClinVar:

ClinVar aggregate classification (germline): Uncertain significance (1 of 4 stars; one submission).

gnomAD v4.1: 19 of 1,609,094 alleles (0.0012%); highest among the groups gnomAD compares: Middle Eastern, 0.017%; no homozygotes.

Submission:

Labcorp Genetics (formerly Invitae), Labcorp
Classification: Uncertain significance. Last evaluated: 2025-06-10. Review status: criteria provided, single submitter. Criteria: Invitae Variant Classification Sherloc (09022015). Collection method: clinical testing. Allele origin: germline.
Comment: This sequence change falls in intron 52 of the LAMA5 gene. It does not directly change the encoded amino acid sequence of the LAMA5 protein. This variant is present in population databases (rs759846656, gnomAD 0.007%). This variant has not been reported in the literature in individuals affected with LAMA5-related conditions. Algorithms developed to predict the effect of sequence changes on RNA splicing suggest that this variant may disrupt the consensus splice site. In summary, the available evidence is currently insufficient to determine the role of this variant in disease. Therefore, it has been classified as a Variant of Uncertain Significance.

NM_005560.6(LAMA5):c.7043-6G>A

Gene: LAMA5 (laminin subunit alpha 5; minus strand). Cytogenetic location: 20q13.33.
Variant type: single nucleotide variant.
Coding change: c.7043-6G>A on transcript NM_005560.6 (MANE Select); 6 bases into the intron before coding-DNA position 7043, G replaced by A.
Molecular consequence: intron variant.
Genome position (GRCh38, 1-based): chr20:62,318,656, C>T on the plus strand (G>A on the coding strand, the complement: LAMA5 is on the minus strand). VCF-style: chr20-62318656-C-T. GRCh37 (hg19) VCF-style: chr20-60893712-C-T.
Identifiers: ClinVar variation 4802011 (VCV004802011.1).